The following is an entry in ClinVar:

NM_182972.3(IRF2BP2):c.800G>C (p.Arg267Pro)

Gene: IRF2BP2 (interferon regulatory factor 2 binding protein 2; minus strand). Cytogenetic location: 1q42.3.
Variant type: single nucleotide variant.
Coding change: c.800G>C on transcript NM_182972.3 (MANE Select); coding-DNA position 800, G replaced by C.
Protein change: p.Arg267Pro; replaces arginine 267 with proline.
Molecular consequence: missense variant.
Genome position (GRCh38, 1-based): chr1:234,608,695, C>G on the plus strand (G>C on the coding strand, the complement: IRF2BP2 is on the minus strand). VCF-style: chr1-234608695-C-G. GRCh37 (hg19) VCF-style: chr1-234744441-C-G.
Other names: c.800G>C, p.Arg267Pro (NM_001077397.1); short protein forms R267P.
Identifiers: ClinVar variation 4989051 (VCV004989051.1).

ClinVar aggregate classification (germline): Uncertain significance (1 of 4 stars; one submission).

Conditions:
IRF2BP2-related disorder. Also called: IRF2BP2-related condition.

Submission:

PreventionGenetics, part of Exact Sciences
Classification: Uncertain significance for IRF2BP2-related condition. Last evaluated: 2024-12-23. Review status: criteria provided, single submitter. Criteria: ACMG Guidelines, 2015. Collection method: clinical testing. Allele origin: germline.
Comment: The IRF2BP2 c.800G>C variant is predicted to result in the amino acid substitution p.Arg267Pro. To our knowledge, this variant has not been reported in the literature. This variant is reported in 0.0065% of alleles in individuals of European (Non-Finnish) descent in gnomAD. At this time, the clinical significance of this variant is uncertain due to the absence of conclusive functional and genetic evidence.